The following is an entry in ClinVar:

ClinVar aggregate classification (germline): Benign/Likely benign. Review status: criteria provided, multiple submitters, no conflicts (2 of 4 stars). 3 submissions from 3 submitters: Benign (1); Likely benign (2). Last evaluated 2025-12-08.

Conditions:
Noonan syndrome 9 (NS9). Identifiers: Orphanet 648, MedGen C4225282, MONDO:0014691, OMIM 616559.
Cardiovascular phenotype. Identifiers: MedGen CN230736.

Allele frequency attached by ClinVar (database versions not stated): gnomAD 0.00001; TOPMed 0.00001; ExAC 0.00002.
gnomAD v4.1: 40 of 1,614,090 alleles (0.0025%); highest among the groups gnomAD compares: East Asian, 0.078%; no homozygotes.

Submissions (3):

Labcorp Genetics (formerly Invitae), Labcorp
Classification: Benign for Noonan syndrome 9. Last evaluated: 2025-12-08. Review status: criteria provided, single submitter. Criteria: Invitae Variant Classification Sherloc (09022015). Collection method: clinical testing. Allele origin: germline.

Ambry Genetics
Classification: Likely benign for Cardiovascular phenotype. Last evaluated: 2024-12-07. Review status: criteria provided, single submitter. Criteria: Ambry Variant Classification Scheme 2023. Collection method: clinical testing. Allele origin: germline.

Women's Health and Genetics/Laboratory Corporation of America, LabCorp
Classification: Likely benign. Last evaluated: 2024-05-06. Review status: criteria provided, single submitter. Criteria: LabCorp Variant Classification Summary - May 2015. Collection method: clinical testing. Allele origin: germline.
Comment: Variant summary: SOS2 c.3151A>G (p.Thr1051Ala) results in a non-conservative amino acid change in the encoded protein sequence. Three of five in-silico tools predict a benign effect of the variant on protein function. The variant allele was found at a frequency of 4.4e-05 in 251374 control chromosomes, predominantly at a frequency of 0.0006 within the East Asian subpopulation in the gnomAD database. The observed variant frequency within East Asian control individuals in the gnomAD database is approximately 240 fold of the estimated maximal expected allele frequency for a pathogenic variant in SOS2 causing Noonan Syndrome phenotype (2.5e-06), strongly suggesting that the variant is a benign polymorphism found primarily in populations of East Asian origin. To our knowledge, no occurrence of c.3151A>G in individuals affected with Noonan Syndrome and no experimental evidence demonstrating its impact on protein function have been reported. ClinVar contains an entry for this variant (Variation ID: 2726183). Based on the evidence outlined above, the variant was classified as likely benign.

NM_006939.4(SOS2):c.3151A>G (p.Thr1051Ala)

Gene: SOS2 (SOS Ras/Rho guanine nucleotide exchange factor 2; minus strand). Cytogenetic location: 14q21.3.
Variant type: single nucleotide variant.
Coding change: c.3151A>G on transcript NM_006939.4 (MANE Select); coding-DNA position 3151, A replaced by G.
Protein change: p.Thr1051Ala; replaces threonine 1051 with alanine.
Molecular consequence: missense variant.
Genome position (GRCh38, 1-based): chr14:50,130,687, T>C on the plus strand (A>G on the coding strand, the complement: SOS2 is on the minus strand). VCF-style: chr14-50130687-T-C. GRCh37 (hg19) VCF-style: chr14-50597405-T-C.
Other names: c.3052A>G, p.Thr1018Ala (NM_001411020.1); c.3151A>G (NM_006939.2); short protein forms T1018A, T1051A.
Identifiers: ClinVar variation 2726183 (VCV002726183.5), dbSNP rs764908956, ClinGen allele CA7176862.